The following is an entry in ClinVar:

ClinVar aggregate classification (germline): Likely benign. Review status: criteria provided, multiple submitters, no conflicts (2 of 4 stars). 3 submissions from 3 submitters: Likely benign (3). Last evaluated 2024-05-24.

Conditions:
Familial thoracic aortic aneurysm and aortic dissection (TAAD). Also called: Thoracic aortic aneurysms and dissections. Identifiers: Orphanet 91387, MedGen C4707243, MONDO:0019625.
Aortic aneurysm, familial thoracic 4 (AAT4). Also called: AORTIC ANEURYSM/AORTIC DISSECTION AND PATENT DUCTUS ARTERIOSUS. Identifiers: MedGen C1851504, MONDO:0007568, OMIM 132900.

Allele frequency attached by ClinVar (database versions not stated): gnomAD exomes below 0.00001; gnomAD 0.00001; ExAC 0.00002; TOPMed 0.00005; ESP Exome Variant Server 0.00015.
gnomAD v4.1: 5 of 1,613,958 alleles (0.00031%); highest among the groups gnomAD compares: African/African-American, 0.004%; no homozygotes.

Submissions (3):

Labcorp Genetics (formerly Invitae), Labcorp
Classification: Likely benign for Aortic aneurysm, familial thoracic 4. Last evaluated: 2024-05-24. Review status: criteria provided, single submitter. Criteria: Invitae Variant Classification Sherloc (09022015). Collection method: clinical testing. Allele origin: germline.

All of Us Research Program, National Institutes of Health
Classification: Likely benign for Familial thoracic aortic aneurysm and aortic dissection. Last evaluated: 2023-06-26. Review status: criteria provided, single submitter. Criteria: ACMG Guidelines, 2015. Collection method: clinical testing. Allele origin: germline. Inheritance: Autosomal dominant inheritance. Observed: 1 variant allele, 1 heterozygote.
Comment: This study involves interpretation of variants in research participants for the purpose of population health screening. Participant phenotype was not available at the time of variant classification. Additional details can be found in publication PMID: 35346344, PMCID: PMC8962531

Ambry Genetics
Classification: Likely benign for Familial thoracic aortic aneurysm and aortic dissection. Last evaluated: 2020-01-06. Review status: criteria provided, single submitter. Criteria: Ambry Variant Classification Scheme 2023. Collection method: clinical testing. Allele origin: germline.

NM_002474.3(MYH11):c.312C>T (p.Asn104=)

Gene: MYH11 (myosin heavy chain 11; minus strand). Cytogenetic location: 16p13.11.
Variant type: single nucleotide variant.
Coding change: c.312C>T on transcript NM_002474.3 (MANE Select); coding-DNA position 312, C replaced by T.
Protein change: p.Asn104=; no amino-acid change (asparagine 104 retained).
Molecular consequence: synonymous variant.
Genome position (GRCh38, 1-based): chr16:15,837,941, G>A on the plus strand (C>T on the coding strand, the complement: MYH11 is on the minus strand). VCF-style: chr16-15837941-G-A. GRCh37 (hg19) VCF-style: chr16-15931798-G-A.
Other names: c.312C>T, p.Asn104= (NM_001040113.2, NM_001040114.2, NM_022844.3).
Identifiers: ClinVar variation 1727934 (VCV001727934.8), dbSNP rs370660740, ClinGen allele CA7923097.